The following is an entry in ClinVar:

NM_024301.5(FKRP):c.835T>C (p.Trp279Arg)

Gene: FKRP (fukutin related protein; plus strand). Cytogenetic location: 19q13.32.
Variant type: single nucleotide variant.
Coding change: c.835T>C on transcript NM_024301.5 (MANE Select); coding-DNA position 835, T replaced by C.
Protein change: p.Trp279Arg; replaces tryptophan 279 with arginine.
Molecular consequence: missense variant.
Genome position (GRCh38, 1-based): chr19:46,756,285, T>C. VCF-style: chr19-46756285-T-C. GRCh37 (hg19) VCF-style: chr19-47259542-T-C.
Other names: c.835T>C, p.Trp279Arg (NM_001039885.3); short protein forms W279R.
Identifiers: ClinVar variation 1346345 (VCV001346345.6), dbSNP rs2054919937, ClinGen allele CA406496104.

ClinVar aggregate classification (germline): Uncertain significance. Review status: criteria provided, multiple submitters, no conflicts (2 of 4 stars). 2 submissions from 2 submitters: Uncertain significance (2). Last evaluated 2022-08-12.

Conditions:
Muscular dystrophy-dystroglycanopathy (congenital with brain and eye anomalies), type A5. Also called: WALKER-WARBURG SYNDROME OR MUSCLE-EYE-BRAIN DISEASE, FKRP-RELATED; MUSCULAR DYSTROPHY-DYSTROGLYCANOPATHY (CONGENITAL WITH BRAIN AND EYE ANOMALIES), TYPE A, 5. Identifiers: Orphanet 588, Orphanet 899, MedGen C3150413, MONDO:0013157, OMIM 613153.
Muscular dystrophy-dystroglycanopathy (congenital with brain and eye anomalies), type A1 (MDDGA1). Also called: WALKER-WARBURG SYNDROME OR MUSCLE-EYE-BRAIN DISEASE, POMT1-RELATED; Hydrocephalus, agyria and retinal dysplasia; Hard +/- E syndrome; Warburg syndrome; Chemke syndrome; Pagon syndrome. Identifiers: Orphanet 588, Orphanet 899, MedGen C4284790, MONDO:0009364, OMIM 236670.
Autosomal recessive limb-girdle muscular dystrophy type 2I. Also called: MUSCULAR DYSTROPHY-DYSTROGLYCANOPATHY, LIMB-GIRDLE, FRKP-RELATED; MUSCULAR DYSTROPHY, LIMB-GIRDLE, TYPE 2I; MUSCULAR DYSTROPHY-DYSTROGLYCANOPATHY (LIMB-GIRDLE), TYPE C, 5. Identifiers: Orphanet 34515, MedGen C1846672, MONDO:0011787, OMIM 607155.
Muscular dystrophy-dystroglycanopathy type B5 (MDDGB5). Also called: MUSCULAR DYSTROPHY, CONGENITAL, 1C; MUSCULAR DYSTROPHY, CONGENITAL, FKRP-RELATED; MUSCULAR DYSTROPHY-DYSTROGLYCANOPATHY (CONGENITAL WITH OR WITHOUT IMPAIRED INTELLECTUAL DEVELOPMENT), TYPE B, 5. Identifiers: MedGen C1847759, MONDO:0011688, OMIM 606612.
Walker-Warburg congenital muscular dystrophy. Also called: Muscular dystrophy-dystroglycanopathy, type A; Walker-Warburg syndrome. Identifiers: Orphanet 899, MedGen C0265221, MONDO:0000171.

Allele frequency attached by ClinVar (database versions not stated): gnomAD exomes below 0.00001.
gnomAD v4.1: 2 of 1,525,862 alleles (0.00013%); highest among the groups gnomAD compares: Non-Finnish European, 0.00018%; no homozygotes.

Submissions (2):

Labcorp Genetics (formerly Invitae), Labcorp
Classification: Uncertain significance for Walker-Warburg congenital muscular dystrophy. Last evaluated: 2022-08-12. Review status: criteria provided, single submitter. Criteria: Invitae Variant Classification Sherloc (09022015). Collection method: clinical testing. Allele origin: germline.
Comment: This sequence change replaces tryptophan, which is neutral and slightly polar, with arginine, which is basic and polar, at codon 279 of the FKRP protein (p.Trp279Arg). This variant is not present in population databases (gnomAD no frequency). This variant has not been reported in the literature in individuals affected with FKRP-related conditions. ClinVar contains an entry for this variant (Variation ID: 1346345). Algorithms developed to predict the effect of missense changes on protein structure and function (SIFT, PolyPhen-2, Align-GVGD) all suggest that this variant is likely to be tolerated. In summary, the available evidence is currently insufficient to determine the role of this variant in disease. Therefore, it has been classified as a Variant of Uncertain Significance.

Fulgent Genetics
Classification: Uncertain significance for Muscular dystrophy-dystroglycanopathy (congenital with brain and eye anomalies), type A1; Muscular dystrophy-dystroglycanopathy type B5; Autosomal recessive limb-girdle muscular dystrophy type 2I; Muscular dystrophy-dystroglycanopathy (congenital with brain and eye anomalies), type A5. Last evaluated: 2021-08-13. Review status: criteria provided, single submitter. Criteria: ACMG Guidelines, 2015. Collection method: clinical testing. Allele origin: unknown.